The following is an entry in ClinVar:

NM_001364905.1(LRBA):c.7795A>G (p.Ile2599Val)

Gene: LRBA (LPS responsive beige-like anchor protein; minus strand). Cytogenetic location: 4q31.3.
Variant type: single nucleotide variant.
Coding change: c.7795A>G on transcript NM_001364905.1 (MANE Select); coding-DNA position 7795, A replaced by G.
Protein change: p.Ile2599Val; replaces isoleucine 2599 with valine.
Molecular consequence: missense variant.
Genome position (GRCh38, 1-based): chr4:150,310,283, T>C on the plus strand (A>G on the coding strand, the complement: LRBA is on the minus strand). VCF-style: chr4-150310283-T-C. GRCh37 (hg19) VCF-style: chr4-151231435-T-C.
Other names: c.7795A>G, p.Ile2599Val (NM_001199282.3); c.7810A>G, p.Ile2604Val (NM_001367550.1); c.7828A>G, p.Ile2610Val (NM_006726.5); short protein forms I2599V, I2610V, I2604V.
Identifiers: ClinVar variation 636557 (VCV000636557.9), dbSNP rs1288341022, ClinGen allele CA358599538.

ClinVar aggregate classification (germline): Uncertain significance. Review status: criteria provided, multiple submitters, no conflicts (2 of 4 stars). 2 submissions from 2 submitters: Uncertain significance (2). Last evaluated 2020-08-17.

Conditions:
Combined immunodeficiency due to LRBA deficiency. Also called: Common variable immunodeficiency 8, with autoimmunity. Identifiers: Orphanet 445018, MedGen C3553512, MONDO:0013863, OMIM 614700.

Allele frequency attached by ClinVar (database versions not stated): gnomAD exomes below 0.00001 and 0.00001; gnomAD 0.00003 and 0.00004; TOPMed 0.00004.
gnomAD v4.1: 8 of 1,612,616 alleles (0.0005%); highest among the groups gnomAD compares: African/African-American, 0.008%; no homozygotes.

Submissions (2):

Labcorp Genetics (formerly Invitae), Labcorp
Classification: Uncertain significance for Combined immunodeficiency due to LRBA deficiency. Last evaluated: 2020-08-17. Review status: criteria provided, single submitter. Criteria: Invitae Variant Classification Sherloc (09022015). Collection method: clinical testing. Allele origin: germline.
Comment: In summary, the available evidence is currently insufficient to determine the role of this variant in disease. Therefore, it has been classified as a Variant of Uncertain Significance. Algorithms developed to predict the effect of missense changes on protein structure and function output the following: SIFT: "Tolerated"; PolyPhen-2: "Benign"; Align-GVGD: "Class C0". The valine amino acid residue is found in multiple mammalian species, suggesting that this missense change does not adversely affect protein function. These predictions have not been confirmed by published functional studies and their clinical significance is uncertain. This variant has not been reported in the literature in individuals with LRBA-related conditions. ClinVar contains an entry for this variant (Variation ID: 636557). This variant is not present in population databases (ExAC no frequency). This sequence change replaces isoleucine with valine at codon 2610 of the LRBA protein (p.Ile2610Val). The isoleucine residue is moderately conserved and there is a small physicochemical difference between isoleucine and valine.

Blueprint Genetics
Classification: Uncertain significance. Last evaluated: 2018-01-24. Review status: criteria provided, single submitter. Criteria: ACMG Guidelines, 2015. Collection method: clinical testing. Allele origin: germline.